The following is an entry in ClinVar:

NM_001025603.2(RFX5):c.1033C>A (p.Pro345Thr)

Gene: RFX5 (regulatory factor X5; minus strand). Cytogenetic location: 1q21.3.
Variant type: single nucleotide variant.
Coding change: c.1033C>A on transcript NM_001025603.2 (MANE Select); coding-DNA position 1033, C replaced by A.
Protein change: p.Pro345Thr; replaces proline 345 with threonine.
Molecular consequence: missense variant.
Genome position (GRCh38, 1-based): chr1:151,343,004, G>T on the plus strand (C>A on the coding strand, the complement: RFX5 is on the minus strand). VCF-style: chr1-151343004-G-T. GRCh37 (hg19) VCF-style: chr1-151315480-G-T.
Other names: c.1033C>A, p.Pro345Thr (NM_000449.4, NM_001379412.1, NM_001379413.1 and 5 more transcripts); c.913C>A, p.Pro305Thr (NM_001379419.1, NM_001379420.1); short protein forms P305T, P345T.
Identifiers: ClinVar variation 2751062 (VCV002751062.3), dbSNP rs1386497621, ClinGen allele CA341930222.

ClinVar aggregate classification (germline): Uncertain significance (1 of 4 stars; one submission).

Conditions:
MHC class II deficiency. Also called: Bare lymphocyte syndrome 2; BLS, TYPE II. Identifiers: Orphanet 572, MedGen C5447452, MONDO:0008855.

Submission:

Labcorp Genetics (formerly Invitae), Labcorp
Classification: Uncertain significance for MHC class II deficiency. Last evaluated: 2024-04-17. Review status: criteria provided, single submitter. Criteria: Invitae Variant Classification Sherloc (09022015). Collection method: clinical testing. Allele origin: germline.
Comment: This sequence change replaces proline, which is neutral and non-polar, with threonine, which is neutral and polar, at codon 345 of the RFX5 protein (p.Pro345Thr). This variant is not present in population databases (gnomAD no frequency). This variant has not been reported in the literature in individuals affected with RFX5-related conditions. An algorithm developed to predict the effect of missense changes on protein structure and function (PolyPhen-2) suggests that this variant is likely to be tolerated. In summary, the available evidence is currently insufficient to determine the role of this variant in disease. Therefore, it has been classified as a Variant of Uncertain Significance.